The following is an entry in ClinVar:

NM_001369268.1(ACAN):c.7250T>G (p.Leu2417Arg)

Gene: ACAN (aggrecan; plus strand). Cytogenetic location: 15q26.1.
Variant type: single nucleotide variant.
Coding change: c.7250T>G on transcript NM_001369268.1 (MANE Select); coding-DNA position 7250, T replaced by G.
Protein change: p.Leu2417Arg; replaces leucine 2417 with arginine.
Molecular consequence: missense variant.
Genome position (GRCh38, 1-based): chr15:88,872,033, T>G. VCF-style: chr15-88872033-T-G. GRCh37 (hg19) VCF-style: chr15-89415264-T-G.
Other names: c.7022T>G, p.Leu2341Arg (NM_001135.4, NM_001411096.1); c.7136T>G, p.Leu2379Arg (NM_001411097.1, NM_013227.4); short protein forms L2341R, L2379R, L2417R.
Identifiers: ClinVar variation 3367102 (VCV003367102.1).

ClinVar aggregate classification (germline): Uncertain significance (1 of 4 stars; one submission).

Conditions:
Spondyloepimetaphyseal dysplasia, aggrecan type. Also called: SEMD, AGGRECAN TYPE. Identifiers: Orphanet 171866, MedGen C2748544, MONDO:0013014, OMIM 612813.

Submission:

Neuberg Centre For Genomic Medicine, NCGM
Classification: Uncertain significance for Spondyloepimetaphyseal dysplasia, aggrecan type. Last evaluated: 2023-05-20. Review status: criteria provided, single submitter. Criteria: ACMG Guidelines, 2015. Collection method: clinical testing. Allele origin: germline. Inheritance: Autosomal recessive inheritance. Affected: yes.
Comment: The missense c.7250T>G (p.Leu2417Arg) variant in the ACAN gene has not been reported previously as a pathogenic variant nor as a benign variant, to our knowledge. This variant is absent in the gnomAD Exomes. The amino acid Leucine at position 2417 is changed to a Arginine changing protein sequence and it might alter its composition and physico-chemical properties. Multiple lines of computational evidence (SIFT – Damaging and MutationTaster - Disease causing) predict a damaging effect on protein structure and function for this variant. The amino acid Leucine in ACAN is predicted as conserved by GERP++ and PhyloP across 100 vertebrates. For these reasons, this variant has been classified as Uncertain Significance.